The following is an entry in ClinVar:

ClinVar aggregate classification (germline): Uncertain significance (1 of 4 stars; one submission).

gnomAD v4.1: 2 of 1,614,086 alleles (0.00012%); highest among the groups gnomAD compares: Non-Finnish European, 0.00017%; no homozygotes.

Submission:

CeGaT Center for Human Genetics Tuebingen
Classification: Uncertain significance. Last evaluated: 2025-07-01. Review status: criteria provided, single submitter. Criteria: CeGaT Center For Human Genetics Tuebingen Variant Classification Criteria Version 2. Collection method: clinical testing. Allele origin: germline. Affected: yes. Observed: 1 variant allele.
Comment: KCNB2: PP2, PP3

NM_004770.3(KCNB2):c.1066G>T (p.Ala356Ser)

Gene: KCNB2 (potassium voltage-gated channel subfamily B member 2; plus strand). Cytogenetic location: 8q21.11.
Variant type: single nucleotide variant.
Coding change: c.1066G>T on transcript NM_004770.3 (MANE Select); coding-DNA position 1066, G replaced by T.
Protein change: p.Ala356Ser; replaces alanine 356 with serine.
Molecular consequence: missense variant.
Genome position (GRCh38, 1-based): chr8:72,936,421, G>T. VCF-style: chr8-72936421-G-T. GRCh37 (hg19) VCF-style: chr8-73848656-G-T.
Other names: short protein forms A356S.
Identifiers: ClinVar variation 4084847 (VCV004084847.8).